The following is an entry in ClinVar:

NM_000489.6(ATRX):c.3607T>C (p.Ser1203Pro)

Gene: ATRX (ATRX chromatin remodeler; minus strand). Cytogenetic location: Xq21.1.
Variant type: single nucleotide variant.
Coding change: c.3607T>C on transcript NM_000489.6 (MANE Select); coding-DNA position 3607, T replaced by C.
Protein change: p.Ser1203Pro; replaces serine 1203 with proline.
Molecular consequence: missense variant.
Genome position (GRCh38, 1-based): chrX:77,681,649, A>G on the plus strand (T>C on the coding strand, the complement: ATRX is on the minus strand). VCF-style: chrX-77681649-A-G. GRCh37 (hg19) VCF-style: chrX-76937141-A-G.
Other names: c.3493T>C, p.Ser1165Pro (NM_138270.5); short protein forms S1203P, S1165P.
Identifiers: ClinVar variation 3708692 (VCV003708692.4).

ClinVar aggregate classification (germline): Uncertain significance. Review status: criteria provided, multiple submitters, no conflicts (2 of 4 stars). 2 submissions from 2 submitters: Uncertain significance (2). Last evaluated 2025-09-08.

Conditions:
Alpha thalassemia-X-linked intellectual disability syndrome (ATRX). Also called: ALPHA-THALASSEMIA/MENTAL RETARDATION SYNDROME, X-LINKED; ATR, NONDELETION TYPE; ATR-X syndrome; Alpha thalassemia mental retardation syndrome, nondeletion type, X-linked; XLMR hypotonic face syndrome; X-linked alpha-thalassemia-mental retardation syndrome. Identifiers: Orphanet 847, MedGen C1845055, MONDO:0010519, OMIM 301040.

Submissions (2):

Dasa
Classification: Uncertain significance. Last evaluated: 2025-09-08. Review status: criteria provided, single submitter. Criteria: DASA Assertion Criteria. Collection method: clinical testing. Allele origin: germline.
Comment: NM_000489.6(ATRX):c.3607T>C (p.Ser1203Pro) is a missense variant that results in the substitution of serine with proline. This variant is absent from population databases. The currently available literature and clinical evidence are not sufficient to establish a definitive association between this variant and the reported condition. Therefore, this variant is classified as a variant of uncertain significance.

Labcorp Genetics (formerly Invitae), Labcorp
Classification: Uncertain significance for Alpha thalassemia-X-linked intellectual disability syndrome. Last evaluated: 2024-10-15. Review status: criteria provided, single submitter. Criteria: Invitae Variant Classification Sherloc (09022015). Collection method: clinical testing. Allele origin: germline.
Comment: This sequence change replaces serine, which is neutral and polar, with proline, which is neutral and non-polar, at codon 1203 of the ATRX protein (p.Ser1203Pro). This variant is not present in population databases (gnomAD no frequency). This variant has not been reported in the literature in individuals affected with ATRX-related conditions. Invitae Evidence Modeling of protein sequence and biophysical properties (such as structural, functional, and spatial information, amino acid conservation, physicochemical variation, residue mobility, and thermodynamic stability) indicates that this missense variant is not expected to disrupt ATRX protein function with a negative predictive value of 95%. In summary, the available evidence is currently insufficient to determine the role of this variant in disease. Therefore, it has been classified as a Variant of Uncertain Significance.